The following is an entry in ClinVar:

NM_003072.5(SMARCA4):c.2124-3C>T

Gene: SMARCA4 (SWI/SNF related BAF chromatin remodeling complex subunit ATPase 4; plus strand). Cytogenetic location: 19p13.2.
Variant type: single nucleotide variant.
Coding change: c.2124-3C>T on transcript NM_003072.5 (MANE Select); 3 bases into the intron before coding-DNA position 2124, C replaced by T.
Molecular consequence: intron variant.
Genome position (GRCh38, 1-based): chr19:11,010,378, C>T. VCF-style: chr19-11010378-C-T. GRCh37 (hg19) VCF-style: chr19-11121054-C-T.
Other names: c.2124-3C>T (NM_001128844.3, NM_001128849.3, NM_001128847.4 and 5 more transcripts).
Identifiers: ClinVar variation 480642 (VCV000480642.19), dbSNP rs1555773222, ClinGen allele CA658656785.

ClinVar aggregate classification (germline): Uncertain significance. Review status: criteria provided, multiple submitters, no conflicts (2 of 4 stars). 4 submissions from 4 submitters: Uncertain significance (4). Last evaluated 2026-01-16.

Conditions:
Hereditary cancer-predisposing syndrome. Also called: Neoplastic Syndromes, Hereditary; Tumor predisposition; Hereditary neoplastic syndrome; Hereditary Cancer Syndrome. Identifiers: Orphanet 140162, MedGen C0027672, MeSH D009386, MONDO:0015356.
Intellectual disability, autosomal dominant 16 (CSS4). Also called: COFFIN-SIRIS SYNDROME 4. Identifiers: Orphanet 1465, MedGen C3553249, MONDO:0013821, OMIM 614609.
Rhabdoid tumor predisposition syndrome 2 (RTPS2). Identifiers: Orphanet 231108, Orphanet 69077, MedGen C2750074, MONDO:0013224, OMIM 613325.

Submissions (4):

Dasa
Classification: Uncertain significance for Intellectual disability, autosomal dominant 16. Last evaluated: 2026-01-16. Review status: criteria provided, single submitter. Criteria: DASA Assertion Criteria. Collection method: clinical testing. Allele origin: germline.
Comment: NM_003072.5(SMARCA4):c.2124-3C>T is a splice-region variant. This variant is rare in population databases. Computational prediction algorithms are consistent with a benign effect. The currently available literature and clinical evidence are not sufficient to establish a definitive association between this variant and the reported condition. Therefore, this variant is classified as a variant of uncertain significance.

Labcorp Genetics (formerly Invitae), Labcorp
Classification: Uncertain significance for Rhabdoid tumor predisposition syndrome 2. Last evaluated: 2024-07-22. Review status: criteria provided, single submitter. Criteria: Invitae Variant Classification Sherloc (09022015). Collection method: clinical testing. Allele origin: germline.
Comment: This sequence change falls in intron 14 of the SMARCA4 gene. It does not directly change the encoded amino acid sequence of the SMARCA4 protein. It affects a nucleotide within the consensus splice site. This variant is not present in population databases (gnomAD no frequency). This variant has not been reported in the literature in individuals affected with SMARCA4-related conditions. ClinVar contains an entry for this variant (Variation ID: 480642). Variants that disrupt the consensus splice site are a relatively common cause of aberrant splicing (PMID: 17576681, 9536098). Algorithms developed to predict the effect of sequence changes on RNA splicing suggest that this variant is not likely to affect RNA splicing. In summary, the available evidence is currently insufficient to determine the role of this variant in disease. Therefore, it has been classified as a Variant of Uncertain Significance.

Ambry Genetics
Classification: Uncertain significance for Hereditary cancer-predisposing syndrome. Last evaluated: 2023-03-22. Review status: criteria provided, single submitter. Criteria: Ambry Variant Classification Scheme 2023. Collection method: clinical testing. Allele origin: germline.
Comment: The c.2124-3C>T intronic variant results from a C to T substitution 3 nucleotides upstream from coding exon 14 in the SMARCA4 gene. This nucleotide position is highly conserved in available vertebrate species. In silico splice site analysis predicts that this alteration will not have any significant effect on splicing. Direct RNA evidence is insufficient at this time (Ambry internal data). Since supporting evidence is limited at this time, the clinical significance of this alteration remains unclear.

Genome-Nilou Lab
Classification: Uncertain significance for Intellectual disability, autosomal dominant 16. Last evaluated: 2021-07-15. Review status: criteria provided, single submitter. Criteria: ACMG Guidelines, 2015. Collection method: clinical testing. Allele origin: germline. Affected: no.

Literature cited by the submitters: PubMed 17576681 (cited by Labcorp Genetics (formerly Invitae), Labcorp); PubMed 9536098 (cited by Labcorp Genetics (formerly Invitae), Labcorp).